The following is an entry in ClinVar:

ClinVar aggregate classification (germline): Likely benign. Review status: criteria provided, multiple submitters, no conflicts (2 of 4 stars). 2 submissions from 2 submitters: Likely benign (2). Last evaluated 2026-03-01.

Conditions:
Joubert syndrome 22 (JBTS22). Identifiers: Orphanet 2754, MedGen C3810278, MONDO:0014297, OMIM 615665.

Allele frequency attached by ClinVar (database versions not stated): TOPMed 0.00001; gnomAD exomes 0.00006; ExAC 0.00007.
gnomAD v4.1: 45 of 1,613,752 alleles (0.0028%); highest among the groups gnomAD compares: Admixed American, 0.025%; 2 homozygotes.

Submissions (2):

CeGaT Center for Human Genetics Tuebingen
Classification: Likely benign. Last evaluated: 2026-03-01. Review status: criteria provided, single submitter. Criteria: CeGaT Center For Human Genetics Tuebingen Variant Classification Criteria Version 2. Collection method: clinical testing. Allele origin: germline. Affected: yes. Observed: 2 variant alleles.
Comment: PDE6D: BP4, BP7

Labcorp Genetics (formerly Invitae), Labcorp
Classification: Likely benign for Joubert syndrome 22. Last evaluated: 2025-11-13. Review status: criteria provided, single submitter. Criteria: Invitae Variant Classification Sherloc (09022015). Collection method: clinical testing. Allele origin: germline.

NM_002601.4(PDE6D):c.201G>A (p.Ser67=)

Gene: PDE6D (phosphodiesterase 6D; minus strand). Cytogenetic location: 2q37.1.
Variant type: single nucleotide variant.
Coding change: c.201G>A on transcript NM_002601.4 (MANE Select); coding-DNA position 201, G replaced by A.
Protein change: p.Ser67=; no amino-acid change (serine 67 retained).
Molecular consequence: synonymous variant.
Genome position (GRCh38, 1-based): chr2:231,738,077, C>T on the plus strand (G>A on the coding strand, the complement: PDE6D is on the minus strand). VCF-style: chr2-231738077-C-T. GRCh37 (hg19) VCF-style: chr2-232602787-C-T.
Other names: c.201G>A, p.Ser67= (NM_001291018.2).
Identifiers: ClinVar variation 745209 (VCV000745209.14), dbSNP rs764377846, ClinGen allele CA2163226.